The following is an entry in ClinVar:

NM_001042492.3(NF1):c.3198-1G>T

Gene: NF1 (neurofibromin 1; plus strand). Cytogenetic location: 17q11.2.
Variant type: single nucleotide variant.
Coding change: c.3198-1G>T on transcript NM_001042492.3 (MANE Select); the canonical splice acceptor site of the intron before coding-DNA position 3198, G replaced by T.
Molecular consequence: splice acceptor variant.
Genome position (GRCh38, 1-based): chr17:31,232,072, G>T. VCF-style: chr17-31232072-G-T. GRCh37 (hg19) VCF-style: chr17-29559090-G-T.
Other names: c.3198-1G>T (NM_000267.4).
Identifiers: ClinVar variation 1692327 (VCV001692327.6), dbSNP rs1223905930, ClinGen allele CA398988496.

ClinVar aggregate classification (germline): Pathogenic/Likely pathogenic. Review status: criteria provided, multiple submitters, no conflicts (2 of 4 stars). 2 submissions from 2 submitters: Pathogenic (1); Likely pathogenic (1). Last evaluated 2025-03-06.

Conditions:
Hereditary cancer-predisposing syndrome. Also called: Neoplastic Syndromes, Hereditary; Hereditary Cancer Syndrome; Tumor predisposition; Hereditary neoplastic syndrome. Identifiers: Orphanet 140162, MedGen C0027672, MeSH D009386, MONDO:0015356.
Neurofibromatosis, type 1 (NF1). Also called: VON RECKLINGHAUSEN DISEASE; NEUROFIBROMATOSIS, TYPE I, SOMATIC; Peripheral type neurofibromatosis; Neurofibromatosis, type I. Identifiers: Orphanet 636, MedGen C0027831, MONDO:0018975, OMIM 162200. Disease mechanism: loss of function.

Submissions (2):

Labcorp Genetics (formerly Invitae), Labcorp
Classification: Pathogenic for Neurofibromatosis, type 1. Last evaluated: 2025-03-06. Review status: criteria provided, single submitter. Criteria: Invitae Variant Classification Sherloc (09022015). Collection method: clinical testing. Allele origin: germline.
Comment: This sequence change affects an acceptor splice site in intron 24 of the NF1 gene. It is expected to disrupt RNA splicing. Variants that disrupt the donor or acceptor splice site typically lead to a loss of protein function (PMID: 16199547), and loss-of-function variants in NF1 are known to be pathogenic (PMID: 10712197, 23913538). This variant is not present in population databases (gnomAD no frequency). Disruption of this splice site has been observed in individual(s) with neurofibromatosis type 1 (PMID: 30014477). ClinVar contains an entry for this variant (Variation ID: 1692327). Algorithms developed to predict the effect of sequence changes on RNA splicing suggest that this variant may disrupt the consensus splice site. For these reasons, this variant has been classified as Pathogenic.

Sema4
Classification: Likely pathogenic for Hereditary cancer-predisposing syndrome. Last evaluated: 2021-11-15. Review status: criteria provided, single submitter. Criteria: Sema4 Curation Guidelines. Collection method: curation. Allele origin: germline.
Comment: The NF1 c.3198-1G>T variant has not been reported in the literature to our knowledge. This variant is predicted to abolish the canonical splice site leading to an abnormal or absent protein. This variant was not observed in the Genome Aggregation Database (PMID: 32461654). This variant has not been reported in ClinVar. Based on the current evidence available, this variant is interpreted as likely pathogenic.

Literature cited by the submitters: PubMed 16199547 (cited by Labcorp Genetics (formerly Invitae), Labcorp); PubMed 10712197 (cited by Labcorp Genetics (formerly Invitae), Labcorp); PubMed 23913538 (cited by Labcorp Genetics (formerly Invitae), Labcorp); PubMed 30014477 (cited by Labcorp Genetics (formerly Invitae), Labcorp).